The following is an entry in ClinVar:

NM_020975.6(RET):c.512G>A (p.Arg171Lys)

Gene: RET (ret proto-oncogene; plus strand). Cytogenetic location: 10q11.21.
Variant type: single nucleotide variant.
Coding change: c.512G>A on transcript NM_020975.6 (MANE Select); coding-DNA position 512, G replaced by A.
Protein change: p.Arg171Lys; replaces arginine 171 with lysine.
Molecular consequence: missense variant.
Genome position (GRCh38, 1-based): chr10:43,102,516, G>A. VCF-style: chr10-43102516-G-A. GRCh37 (hg19) VCF-style: chr10-43597964-G-A.
Other names: c.512G>A, p.Arg171Lys (NM_000323.2, NM_001406743.1, NM_001406744.1 and 16 more transcripts); c.383G>A, p.Arg128Lys (NM_001406761.1, NM_001406762.1, NM_001406764.1 and 4 more transcripts); short protein forms R128K, R171K.
Identifiers: ClinVar variation 1745536 (VCV001745536.2), dbSNP rs1422505495, ClinGen allele CA376543324.
Genomic context (GRCh38, chr10:43,102,516, plus strand): 5'-ACACCTCCTTTCCAGCCTGCAGCTCCCTCAAGCCCCGGGAGCTCTGCTTCCCAGAGACAA[G>A]GCCCTCCTTCCGCATTCGGGAGAACCGACCCCCAGGCACCTTCCACCAGTTCCGCCTGCT-3'
Protein context (NP_066124.1, residues 161-181): KPRELCFPET[Arg171Lys]PSFRIRENRP

ClinVar aggregate classification (germline): Uncertain significance (1 of 4 stars; one submission).

Conditions:
Hereditary cancer-predisposing syndrome. Also called: Hereditary Cancer Syndrome; Neoplastic Syndromes, Hereditary; Tumor predisposition; Hereditary neoplastic syndrome. Identifiers: Orphanet 140162, MedGen C0027672, MeSH D009386, MONDO:0015356.

Allele frequency attached by ClinVar (database versions not stated): gnomAD exomes below 0.00001.
gnomAD v4.1: 1 of 1,614,196 alleles (0.000062%); highest among the groups gnomAD compares: Non-Finnish European, 0.000085%; no homozygotes.

Submission:

Ambry Genetics
Classification: Uncertain significance for Hereditary cancer-predisposing syndrome. Last evaluated: 2022-01-27. Review status: criteria provided, single submitter. Criteria: Ambry Variant Classification Scheme 2023. Collection method: clinical testing. Allele origin: germline.
Comment: The p.R171K variant (also known as c.512G>A), located in coding exon 3 of the RET gene, results from a G to A substitution at nucleotide position 512. The arginine at codon 171 is replaced by lysine, an amino acid with highly similar properties. This amino acid position is poorly conserved in available vertebrate species. In addition, this alteration is predicted to be tolerated by in silico analysis. Since supporting evidence is limited at this time, the clinical significance of this alteration remains unclear.